The following is an entry in ClinVar:

ClinVar aggregate classification (germline): Uncertain significance (1 of 4 stars; one submission).

Conditions:
Cardiovascular phenotype. Identifiers: MedGen CN230736.

Allele frequency attached by ClinVar (database versions not stated): TOPMed below 0.00001; gnomAD 0.00001.
gnomAD v4.1: 2 of 1,609,420 alleles (0.00012%); highest among the groups gnomAD compares: Non-Finnish European, 0.000085%; no homozygotes.

Submission:

Ambry Genetics
Classification: Uncertain significance for Cardiovascular phenotype. Last evaluated: 2023-11-27. Review status: criteria provided, single submitter. Criteria: Ambry Variant Classification Scheme 2023. Collection method: clinical testing. Allele origin: germline.
Comment: The c.3461+1G>A intronic variant results from a G to A substitution one nucleotide after coding exon 22 of the TRPM4 gene. This nucleotide position is highly conserved in available vertebrate species. In silico splice site analysis predicts that this alteration will weaken the native splice donor site. Alterations that disrupt the canonical splice site are expected to cause aberrant splicing, resulting in an abnormal protein or a transcript that is subject to nonsense-mediated mRNA decay. However, loss of function of TRPM4 has not been established as a mechanism of disease. Since supporting evidence is limited at this time, the clinical significance of this alteration remains unclear.

NM_017636.4(TRPM4):c.3461+1G>A

Gene: TRPM4 (transient receptor potential cation channel subfamily M member 4; plus strand). Cytogenetic location: 19q13.33.
Variant type: single nucleotide variant.
Coding change: c.3461+1G>A on transcript NM_017636.4 (MANE Select); the canonical splice donor site of the intron after coding-DNA position 3461, G replaced by A.
Molecular consequence: splice donor variant.
Genome position (GRCh38, 1-based): chr19:49,210,843, G>A. VCF-style: chr19-49210843-G-A. GRCh37 (hg19) VCF-style: chr19-49714100-G-A.
Other names: c.3026+1G>A (NM_001195227.2); c.1853+1G>A (NM_001321282.2); c.3116+1G>A (NM_001321281.2); c.2939+1G>A (NM_001321283.2); c.2399+1G>A (NM_001321285.2).
Identifiers: ClinVar variation 3227024 (VCV003227024.1), dbSNP rs1969334710, ClinGen allele CA406773252.